The following is an entry in ClinVar:

ClinVar aggregate classification (germline): Uncertain significance (1 of 4 stars; one submission).

Conditions:
Arthrogryposis, distal, type 1A. Also called: ARTHROGRYPOSIS MULTIPLEX CONGENITA, DISTAL, TYPE I. Identifiers: Orphanet 1146, MedGen C6022280, MONDO:0007157, OMIM 108120.

Allele frequency attached by ClinVar (database versions not stated): gnomAD exomes below 0.00001.
gnomAD v4.1: 2 of 1,614,218 alleles (0.00012%); highest among the groups gnomAD compares: Non-Finnish European, 0.00017%; no homozygotes.

Submission:

Labcorp Genetics (formerly Invitae), Labcorp
Classification: Uncertain significance for Arthrogryposis, distal, type 1A. Last evaluated: 2024-01-13. Review status: criteria provided, single submitter. Criteria: Invitae Variant Classification Sherloc (09022015). Collection method: clinical testing. Allele origin: germline.
Comment: This sequence change replaces glutamic acid, which is acidic and polar, with lysine, which is basic and polar, at codon 131 of the TPM2 protein (p.Glu131Lys). This variant is not present in population databases (gnomAD no frequency). This variant has not been reported in the literature in individuals affected with TPM2-related conditions. Advanced modeling of protein sequence and biophysical properties (such as structural, functional, and spatial information, amino acid conservation, physicochemical variation, residue mobility, and thermodynamic stability) performed at Invitae indicates that this missense variant is expected to disrupt TPM2 protein function with a positive predictive value of 80%. In summary, the available evidence is currently insufficient to determine the role of this variant in disease. Therefore, it has been classified as a Variant of Uncertain Significance.

NM_003289.4(TPM2):c.391G>A (p.Glu131Lys)

Gene: TPM2 (tropomyosin 2; minus strand). Cytogenetic location: 9p13.3.
Variant type: single nucleotide variant.
Coding change: c.391G>A on transcript NM_003289.4 (MANE Select); coding-DNA position 391, G replaced by A.
Protein change: p.Glu131Lys; replaces glutamic acid 131 with lysine.
Molecular consequence: missense variant.
Genome position (GRCh38, 1-based): chr9:35,685,535, C>T on the plus strand (G>A on the coding strand, the complement: TPM2 is on the minus strand). VCF-style: chr9-35685535-C-T. GRCh37 (hg19) VCF-style: chr9-35685532-C-T.
Other names: c.391G>A, p.Glu131Lys (NM_001301226.2, NM_001301227.2, NM_213674.1); short protein forms E131K.
Identifiers: ClinVar variation 2708821 (VCV002708821.3), dbSNP rs1824851133, ClinGen allele CA373367697.